The following is an entry in ClinVar:

ClinVar aggregate classification (germline): Uncertain significance (1 of 4 stars; one submission).

Allele frequency attached by ClinVar (database versions not stated): gnomAD exomes 0.00002 and 0.00007; TOPMed 0.00004; gnomAD 0.00006 and 0.00007.
gnomAD v4.1: 79 of 1,209,143 alleles (0.0065%); highest among the groups gnomAD compares: Non-Finnish European, 0.0087%; no homozygotes.

Submission:

Labcorp Genetics (formerly Invitae), Labcorp
Classification: Uncertain significance. Last evaluated: 2025-03-23. Review status: criteria provided, single submitter. Criteria: Invitae Variant Classification Sherloc (09022015). Collection method: clinical testing. Allele origin: germline.
Comment: This sequence change replaces isoleucine, which is neutral and non-polar, with valine, which is neutral and non-polar, at codon 373 of the CFP protein (p.Ile373Val). This variant is present in population databases (no rsID available, gnomAD 0.006%). This variant has not been reported in the literature in individuals affected with CFP-related conditions. ClinVar contains an entry for this variant (Variation ID: 1378647). Invitae Evidence Modeling of protein sequence and biophysical properties (such as structural, functional, and spatial information, amino acid conservation, physicochemical variation, residue mobility, and thermodynamic stability) indicates that this missense variant is not expected to disrupt CFP protein function with a negative predictive value of 80%. In summary, the available evidence is currently insufficient to determine the role of this variant in disease. Therefore, it has been classified as a Variant of Uncertain Significance.

NM_001145252.3(CFP):c.1117A>G (p.Ile373Val)

Gene: CFP (complement factor properdin; minus strand). Cytogenetic location: Xp11.23.
Variant type: single nucleotide variant.
Coding change: c.1117A>G on transcript NM_001145252.3 (MANE Select); coding-DNA position 1117, A replaced by G.
Protein change: p.Ile373Val; replaces isoleucine 373 with valine.
Molecular consequence: missense variant.
Genome position (GRCh38, 1-based): chrX:47,626,343, T>C on the plus strand (A>G on the coding strand, the complement: CFP is on the minus strand). VCF-style: chrX-47626343-T-C. GRCh37 (hg19) VCF-style: chrX-47485742-T-C.
Other names: c.1117A>G, p.Ile373Val (NM_002621.2); short protein forms I373V.
Identifiers: ClinVar variation 1378647 (VCV001378647.8), dbSNP rs935700885, ClinGen allele CA329070247.